The following is an entry in ClinVar:

NM_024301.5(FKRP):c.613C>T (p.Arg205Cys)

Gene: FKRP (fukutin related protein; plus strand). Cytogenetic location: 19q13.32.
Variant type: single nucleotide variant.
Coding change: c.613C>T on transcript NM_024301.5 (MANE Select); coding-DNA position 613, C replaced by T.
Protein change: p.Arg205Cys; replaces arginine 205 with cysteine.
Molecular consequence: missense variant.
Genome position (GRCh38, 1-based): chr19:46,756,063, C>T. VCF-style: chr19-46756063-C-T. GRCh37 (hg19) VCF-style: chr19-47259320-C-T.
Other names: c.613C>T, p.Arg205Cys (NM_001039885.3); short protein forms R205C.
Identifiers: ClinVar variation 197339 (VCV000197339.9), dbSNP rs753297636, ClinGen allele CA245422.
Genomic context (GRCh38, chr19:46,756,063, plus strand): 5'-GCCCCCGCCGCGCCCCGCTGCGACGCCCTGGACGGAGATGCTGTGGTGCTCCTGCGCGCC[C>T]GCGACCTCTTCAACCTCTCGGCGCCCCTGGCCCGGCCGGTGGGCACCAGCCTCTTTCTGC-3'
Protein context (NP_077277.1, residues 195-215): DGDAVVLLRA[Arg205Cys]DLFNLSAPLA

ClinVar aggregate classification (germline): Uncertain significance. Review status: criteria provided, multiple submitters, no conflicts (2 of 4 stars). 2 submissions from 2 submitters: Uncertain significance (2). Last evaluated 2021-08-24.

Conditions:
Walker-Warburg congenital muscular dystrophy. Also called: Muscular dystrophy-dystroglycanopathy, type A; Walker-Warburg syndrome. Identifiers: Orphanet 899, MedGen C0265221, MONDO:0000171.

gnomAD v4.1: 1 of 1,572,822 alleles (0.000064%); highest among the groups gnomAD compares: Middle Eastern, 0.017%; no homozygotes.

Submissions (2):

Labcorp Genetics (formerly Invitae), Labcorp
Classification: Uncertain significance for Walker-Warburg congenital muscular dystrophy. Last evaluated: 2021-08-24. Review status: criteria provided, single submitter. Criteria: Invitae Variant Classification Sherloc (09022015). Collection method: clinical testing. Allele origin: germline.
Comment: This sequence change replaces arginine with cysteine at codon 205 of the FKRP protein (p.Arg205Cys). The arginine residue is moderately conserved and there is a large physicochemical difference between arginine and cysteine. This variant is not present in population databases (ExAC no frequency). This variant has not been reported in the literature in individuals affected with FKRP-related conditions. ClinVar contains an entry for this variant (Variation ID: 197339). Algorithms developed to predict the effect of missense changes on protein structure and function are either unavailable or do not agree on the potential impact of this missense change (SIFT: "Deleterious"; PolyPhen-2: "Possibly Damaging"; Align-GVGD: "Class C15"). In summary, the available evidence is currently insufficient to determine the role of this variant in disease. Therefore, it has been classified as a Variant of Uncertain Significance.

Eurofins Ntd Llc (ga)
Classification: Uncertain significance. Last evaluated: 2014-11-24. Review status: criteria provided, single submitter. Criteria: EGL Classification Definitions 2015. Collection method: clinical testing. Allele origin: germline. Observed: 1 variant allele, 1 heterozygote.